The following is an entry in ClinVar:

ClinVar aggregate classification (germline): Likely benign. Review status: criteria provided, multiple submitters, no conflicts (2 of 4 stars). 3 submissions from 3 submitters: Likely benign (3). Last evaluated 2026-02-11.

Conditions:
Majeed syndrome (MJDS). Also called: CHRONIC RECURRENT MULTIFOCAL OSTEOMYELITIS 1, WITH CONGENITAL DYSERYTHROPOIETIC ANEMIA, WITH OR WITHOUT NEUTROPHILIC DERMATOSIS; LPIN2-Related Majeed Syndrome. Identifiers: Orphanet 77297, MedGen C1864997, MONDO:0012316, OMIM 609628.

Submissions (3):

Women's Health and Genetics/Laboratory Corporation of America, LabCorp
Classification: Likely benign. Last evaluated: 2026-02-11. Review status: criteria provided, single submitter. Criteria: LabCorp Variant Classification Summary - May 2015. Collection method: clinical testing. Allele origin: germline.
Comment: Variant summary: LPIN2 c.1457-21_1457-18delGATT alters a nucleotide located at a position not widely known to affect splicing. Consensus agreement among computation tools predict no significant impact on normal splicing. However, these predictions have yet to be confirmed by functional studies. The variant allele was found at a frequency of 4e-06 in 250448 control chromosomes. The available data on variant occurrences in the general population are insufficient to allow any conclusion about variant significance. To our knowledge, no occurrence of c.1457-21_1457-18delGATT in individuals affected with LPIN2-related conditions and no experimental evidence demonstrating its impact on protein function have been reported. ClinVar contains an entry for this variant (Variation ID: 2962645). Based on the evidence outlined above, the variant was classified as likely benign.

ARUP Laboratories, Molecular Genetics and Genomics, ARUP Laboratories
Classification: Likely benign for Majeed syndrome. Last evaluated: 2025-02-13. Review status: criteria provided, single submitter. Criteria: ARUP Molecular Germline Variant Investigation Process 2024. Collection method: clinical testing. Allele origin: germline.

Labcorp Genetics (formerly Invitae), Labcorp
Classification: Likely benign for Majeed syndrome. Last evaluated: 2023-09-29. Review status: criteria provided, single submitter. Criteria: Invitae Variant Classification Sherloc (09022015). Collection method: clinical testing. Allele origin: germline.

NM_001375808.2(LPIN2):c.1457-21_1457-18del

Gene: LPIN2 (lipin 2; minus strand). Cytogenetic location: 18p11.31.
Variant type: Deletion.
Coding change: c.1457-21_1457-18del on transcript NM_001375808.2 (MANE Select); 21 bases into the intron before coding-DNA position 1457 through 18 bases into the intron before coding-DNA position 1457, 4 bases deleted (GATT; older notation c.1457-21_1457-18delGATT).
Molecular consequence: intron variant.
Genome position (GRCh38, 1-based): chr18:2,929,176-2,929,179, AATC deleted on the plus strand (GATT on the coding strand, the reverse complement: LPIN2 is on the minus strand); deleting any 4 consecutive bases within chr18:2,929,176-2,929,182 gives the same sequence; the c. name uses the placement nearest the transcript's 3' end. VCF-style (leftmost placement, unchanged base first): chr18-2929175-TAATC-T. GRCh37 (hg19) VCF-style: chr18-2929173-TAATC-T.
Other names: c.1457-21_1457-18del (NM_014646.2, NM_001375809.1); c.1457-21_1457-18delGATT (NM_014646.2).
Identifiers: ClinVar variation 2962645 (VCV002962645.5), dbSNP rs757206241, ClinGen allele CA8873087.